The following is an entry in ClinVar:

NM_000285.4(PEPD):c.1312G>A (p.Glu438Lys)

Gene: PEPD (peptidase D; minus strand). Cytogenetic location: 19q13.11.
Variant type: single nucleotide variant.
Coding change: c.1312G>A on transcript NM_000285.4 (MANE Select); coding-DNA position 1312, G replaced by A.
Protein change: p.Glu438Lys; replaces glutamic acid 438 with lysine.
Molecular consequence: missense variant.
Genome position (GRCh38, 1-based): chr19:33,387,922, C>T on the plus strand (G>A on the coding strand, the complement: PEPD is on the minus strand). VCF-style: chr19-33387922-C-T. GRCh37 (hg19) VCF-style: chr19-33878828-C-T.
Other names: c.1189G>A, p.Glu397Lys (NM_001166056.2); c.1120G>A, p.Glu374Lys (NM_001166057.2); short protein forms E397K, E438K, E374K.
Identifiers: ClinVar variation 1471390 (VCV001471390.4), dbSNP rs376211407, ClinGen allele CA9363925.
Genomic context (GRCh38, chr19:33,387,922, plus strand): 5'-AGCAAGAATGGGGCCCGTGGGCACTCACCCCGCCAAAACCGCGAAAGCGCTGCAGGACCT[C>T]GCGGTTAAGGAAGGAGGCGCGGGCCGGGTCCGCCAGGGCCTCATCCAGGAGGTGGTCGAT-3'
Protein context (NP_000276.2, residues 428-448): DPARASFLNR[Glu438Lys]VLQRFRGFGG

ClinVar aggregate classification (germline): Uncertain significance (1 of 4 stars; one submission).

Allele frequency attached by ClinVar (database versions not stated): gnomAD 0.00003; TOPMed 0.00003; gnomAD exomes 0.00005; ESP Exome Variant Server 0.00008; ExAC 0.00013.
gnomAD v4.1: 41 of 1,590,318 alleles (0.0026%); highest among the groups gnomAD compares: Middle Eastern, 0.017%; no homozygotes.

Submission:

Labcorp Genetics (formerly Invitae), Labcorp
Classification: Uncertain significance. Last evaluated: 2024-10-08. Review status: criteria provided, single submitter. Criteria: Invitae Variant Classification Sherloc (09022015). Collection method: clinical testing. Allele origin: germline.
Comment: This sequence change replaces glutamic acid, which is acidic and polar, with lysine, which is basic and polar, at codon 438 of the PEPD protein (p.Glu438Lys). This variant is present in population databases (rs376211407, gnomAD 0.02%). This variant has not been reported in the literature in individuals affected with PEPD-related conditions. ClinVar contains an entry for this variant (Variation ID: 1471390). Invitae Evidence Modeling of protein sequence and biophysical properties (such as structural, functional, and spatial information, amino acid conservation, physicochemical variation, residue mobility, and thermodynamic stability) indicates that this missense variant is not expected to disrupt PEPD protein function with a negative predictive value of 95%. In summary, the available evidence is currently insufficient to determine the role of this variant in disease. Therefore, it has been classified as a Variant of Uncertain Significance.